The following is an entry in ClinVar:

NM_015338.6(ASXL1):c.2929C>T (p.Gln977Ter)

Gene: ASXL1 (ASXL transcriptional regulator 1; plus strand). Cytogenetic location: 20q11.21.
Variant type: single nucleotide variant.
Coding change: c.2929C>T on transcript NM_015338.6 (MANE Select); coding-DNA position 2929, C replaced by T.
Protein change: p.Gln977Ter; replaces glutamine 977 with a stop codon.
Molecular consequence: nonsense.
Genome position (GRCh38, 1-based): chr20:32,435,641, C>T. VCF-style: chr20-32435641-C-T. GRCh37 (hg19) VCF-style: chr20-31023444-C-T.
Other names: c.2746C>T, p.Gln916Ter (NM_001363734.1); short protein forms Q916*, Q977*.
Identifiers: ClinVar variation 3254708 (VCV003254708.2), dbSNP rs1366953593.

ClinVar aggregate classification (germline): Pathogenic (1 of 4 stars; one submission).
ClinVar aggregate classification (somatic clinical impact): Tier II - Potential (1 of 4 stars; one submission).

Conditions:
Bohring-Opitz syndrome. Also called: C-LIKE SYNDROME; BOHRING SYNDROME; OPITZ TRIGONOCEPHALY-LIKE SYNDROME; ASXL1-Related Bohring-Opitz Syndrome. Identifiers: Orphanet 97297, MedGen C0796232, MONDO:0011510, OMIM 605039.
Primary brain neoplasm. Identifiers: MedGen C0750974, MONDO:0021632.

Allele frequency attached by ClinVar (database versions not stated): gnomAD exomes below 0.00001; TOPMed below 0.00001; gnomAD 0.00001.
gnomAD v4.1: 2 of 1,614,022 alleles (0.00012%); highest among the groups gnomAD compares: Non-Finnish European, 0.00017%; no homozygotes.

Submissions (2):

Institute for Genomic Medicine (IGM) Clinical Laboratory, Nationwide Children's Hospital
Classification: Tier II - Potential for Primary brain neoplasm. Assertion type: diagnostic. Clinical significance: supports diagnosis. Last evaluated: 2025-10-05. Review status: criteria provided, single submitter. Criteria: AMP/ASCO/CAP Guidelines, 2017. Collection method: clinical testing. Allele origin: somatic. Affected: yes.
Comment: Variant has Tier II (potential) clinical significance as a diagnostic inclusion criterion in primary brain neoplasm, based on the following evidence: 1) Documented in one or more cancer databases (e.g., St. Jude Pecan, COSMIC, CIViC, OncoKB). 2) Information in the literature supports potential biologic effect of variant (PMIDs: 24216483, 26095772). 3) Diagnostic significance based on multiple small studies (Evidence Level C; PMIDs: 24710217, 28453743, 39141113).

Victorian Clinical Genetics Services, Murdoch Childrens Research Institute
Classification: Pathogenic for Bohring-Opitz syndrome. Last evaluated: 2023-07-16. Review status: criteria provided, single submitter. Criteria: ACMG Guidelines, 2015. Collection method: clinical testing. Allele origin: germline. Inheritance: Autosomal dominant inheritance. Affected: yes.
Comment: Based on the classification scheme VCGS_Germline_v1.3.4, this variant is classified as Pathogenic. Following criteria are met: 0102 - Loss of function is a known mechanism of disease in this gene and is associated with Bohring-Opitz syndrome (MIM#605039). (I) 0107 - This gene is associated with autosomal dominant disease. (I) 0204 - Variant is predicted to result in a truncated protein (premature termination codon is NOT located at least 54 nucleotides upstream of the final exon-exon junction) with at least 1/3 of the protein sequence affected. (SP) 0251 - This variant is heterozygous. (I) 0302 - Variant is present in gnomAD (v3) <0.001 for a dominant condition (1 heterozygote, 0 homozygotes). (SP) 0701 - Other truncating variants comparable to the one identified in this case have very strong previous evidence for pathogenicity. These variants have been reported many times as pathogenic (DECIPHER). (SP) 0807 - This variant has no previous evidence of pathogenicity. (I) 0905 - No published segregation evidence has been identified for this variant. (I) 1007 - No published functional evidence has been identified for this variant. (I) 1208 - Inheritance information for this variant is not currently available in this individual. (I) Legend: (SP) - Supporting pathogenic, (I) - Information, (SB) - Supporting benign

Literature cited by the submitters: PubMed 24216483 (cited by Institute for Genomic Medicine (IGM) Clinical Laboratory, Nationwide Children's Hospital); PubMed 26095772 (cited by Institute for Genomic Medicine (IGM) Clinical Laboratory, Nationwide Children's Hospital); PubMed 24710217 (cited by Institute for Genomic Medicine (IGM) Clinical Laboratory, Nationwide Children's Hospital); PubMed 28453743 (cited by Institute for Genomic Medicine (IGM) Clinical Laboratory, Nationwide Children's Hospital); PubMed 39141113 (cited by Institute for Genomic Medicine (IGM) Clinical Laboratory, Nationwide Children's Hospital).